The following is an entry in ClinVar:

NM_000135.4(FANCA):c.2866C>T (p.Gln956Ter)

Gene: FANCA (FA complementation group A; minus strand). Cytogenetic location: 16q24.3.
Variant type: single nucleotide variant.
Coding change: c.2866C>T on transcript NM_000135.4 (MANE Select); coding-DNA position 2866, C replaced by T.
Protein change: p.Gln956Ter; replaces glutamine 956 with a stop codon.
Molecular consequence: nonsense.
Genome position (GRCh38, 1-based): chr16:89,758,692, G>A on the plus strand (C>T on the coding strand, the complement: FANCA is on the minus strand). VCF-style: chr16-89758692-G-A. GRCh37 (hg19) VCF-style: chr16-89825100-G-A.
Other names: c.2866C>T, p.Gln956Ter (NM_001286167.3); short protein forms Q956*.
Identifiers: ClinVar variation 974149 (VCV000974149.1), dbSNP rs2038844292, ClinGen allele CA397431547.
Genomic context (GRCh38, chr16:89,758,692, plus strand): 5'-CTCCGTCACAGCCCCCTGAAGCCGAGGACTCAGGGAGAAAGTGCTCATGGATCGCCCACT[G>A]GTGGAAGTCCTGCCTAGAACAGCAAACACTGCTATCAATTCTGAGAAATGCTTCGTGGCC-3'

ClinVar aggregate classification (germline): Pathogenic (0 of 4 stars; one submission).

Conditions:
Fanconi anemia complementation group A (FANCA). Also called: Fanconi anemia, group A; FANCA-Related Fanconi Anemia. Identifiers: Orphanet 84, MedGen C3469521, MONDO:0009215, OMIM 227650.

Submission:

Leiden Open Variation Database
Classification: Pathogenic for Fanconi anemia complementation group A. Last evaluated: 2020-02-28. Review status: no assertion criteria provided. Collection method: curation. Allele origin: germline. Affected: yes.
Comment: Curator: Arleen D. Auerbach. Submitter to LOVD: Arleen D. Auerbach.